The following is an entry in ClinVar:

NM_033305.3(VPS13A):c.1400_1401del (p.Leu466_Tyr467insTer)

Gene: VPS13A (vacuolar protein sorting 13 homolog A; plus strand). Cytogenetic location: 9q21.2.
Variant type: Deletion.
Coding change: c.1400_1401del on transcript NM_033305.3 (MANE Select); coding-DNA positions 1400 to 1401, 2 bases deleted (AT; older notation c.1400_1401delAT).
Protein change: p.Leu466_Tyr467insTer.
Molecular consequence: nonsense.
Genome position (GRCh38, 1-based): chr9:77,227,433-77,227,434, AT deleted; deleting any 2 consecutive bases within chr9:77,227,432-77,227,434 gives the same sequence; the c. name uses the placement nearest the transcript's 3' end. VCF-style (leftmost placement, unchanged base first): chr9-77227431-CTA-C. GRCh37 (hg19) VCF-style: chr9-79842347-CTA-C.
Other names: c.1400_1401del, p.Leu466_Tyr467insTer (NM_001018037.2, NM_001018038.3, NM_015186.4); c.1400_1401delAT (NM_033305.2).
Identifiers: ClinVar variation 851289 (VCV000851289.14), dbSNP rs1823578716, ClinGen allele CA916083050.

ClinVar aggregate classification (germline): Pathogenic. Review status: criteria provided, multiple submitters, no conflicts (2 of 4 stars). 3 submissions from 3 submitters: Pathogenic (3). Last evaluated 2025-11-23.

Conditions:
VPS13A-related neurodegenerative disease. Also called: Choreoacanthocytosis; Chorea-acanthocytosis; ACANTHOCYTOSIS WITH NEUROLOGIC DISORDER; LEVINE-CRITCHLEY SYNDROME; VPS13A Disease; Choreaacanthocytosis. Identifiers: Orphanet 2388, MedGen C0393576, MONDO:0008695, OMIM 200150.

Submissions (3):

Labcorp Genetics (formerly Invitae), Labcorp
Classification: Pathogenic. Last evaluated: 2025-11-23. Review status: criteria provided, single submitter. Criteria: Invitae Variant Classification Sherloc (09022015). Collection method: clinical testing. Allele origin: germline.
Comment: This sequence change creates a premature translational stop signal (p.Tyr467*) in the VPS13A gene. It is expected to result in an absent or disrupted protein product. Loss-of-function variants in VPS13A are known to be pathogenic (PMID: 12404112, 21598378). This variant is not present in population databases (gnomAD no frequency). This premature translational stop signal has been observed in individuals with chorea-acanthocytosis (PMID: 22038564, 26768680). ClinVar contains an entry for this variant (Variation ID: 851289). For these reasons, this variant has been classified as Pathogenic.

GeneDx
Classification: Pathogenic. Last evaluated: 2025-08-05. Review status: criteria provided, single submitter. Criteria: GeneDx Variant Classification Process June 2021. Collection method: clinical testing. Allele origin: germline. Affected: yes.
Comment: Nonsense variant predicted to result in protein truncation or nonsense mediated decay in a gene for which loss of function is a known mechanism of disease; Not observed at significant frequency in large population cohorts (gnomAD); This variant is associated with the following publications: (PMID: 26768680, 22038564)

Natera, Inc.
Classification: Pathogenic for Choreaacanthocytosis. Last evaluated: 2024-11-09. Review status: criteria provided, single submitter. Criteria: Natera Variant Classification Schema (03/2026). Collection method: clinical testing. Allele origin: germline.
Comment: The c.1400_1401delAT variant in VPS13A is a frameshift variant predicted to shift the reading frame and introduce a stop codon. This variant is expected to result in nonsense mediated decay, truncation, or a dysfunctional protein product. This variant is rare in the general population with a frequency below the threshold expected for the associated phenotype(s). This variant has been observed in one or more individuals affected with the associated recessive disease, as either homozygous or compound heterozygous with a second variant (PMID: 22038564, 26768680). Given the available evidence, this variant is classified as Pathogenic.

Literature cited by the submitters: PubMed 12404112 (cited by Labcorp Genetics (formerly Invitae), Labcorp); PubMed 21598378 (cited by Labcorp Genetics (formerly Invitae), Labcorp); PubMed 22038564 (cited by Labcorp Genetics (formerly Invitae), Labcorp and Natera, Inc.); PubMed 26768680 (cited by Labcorp Genetics (formerly Invitae), Labcorp and Natera, Inc.).